The following is an entry in ClinVar:

ClinVar aggregate classification (germline): Uncertain significance (1 of 4 stars; one submission).

Submission:

GeneDx
Classification: Uncertain significance. Last evaluated: 2025-04-01. Review status: criteria provided, single submitter. Criteria: GeneDx Variant Classification Process June 2021. Collection method: clinical testing. Allele origin: germline. Affected: yes.
Comment: Not observed at significant frequency in large population cohorts (gnomAD); In silico analysis supports that this missense variant has a deleterious effect on protein structure/function; Has not been previously published as pathogenic or benign to our knowledge

NM_012280.4(FTSJ1):c.460G>T (p.Val154Leu)

Gene: FTSJ1 (FtsJ RNA 2'-O-methyltransferase 1; plus strand). Cytogenetic location: Xp11.23.
Variant type: single nucleotide variant.
Coding change: c.460G>T on transcript NM_012280.4 (MANE Select); coding-DNA position 460, G replaced by T.
Protein change: p.Val154Leu; replaces valine 154 with leucine.
Molecular consequence: missense variant.
Genome position (GRCh38, 1-based): chrX:48,481,334, G>T. VCF-style: chrX-48481334-G-T. GRCh37 (hg19) VCF-style: chrX-48339722-G-T.
Other names: c.49G>T, p.Val17Leu (NM_001282157.2); c.460G>T, p.Val154Leu (NM_001441195.1, NM_001441196.1, NM_001441197.1 and 4 more transcripts); short protein forms V154L, V17L.
Identifiers: ClinVar variation 4278889 (VCV004278889.1).